The following is an entry in ClinVar:

NM_001363711.2(DUOX2):c.1613C>T (p.Thr538Ile)

Gene: DUOX2 (dual oxidase 2; minus strand). Cytogenetic location: 15q21.1.
Variant type: single nucleotide variant.
Coding change: c.1613C>T on transcript NM_001363711.2 (MANE Select); coding-DNA position 1613, C replaced by T.
Protein change: p.Thr538Ile; replaces threonine 538 with isoleucine.
Molecular consequence: missense variant.
Genome position (GRCh38, 1-based): chr15:45,107,425, G>A on the plus strand (C>T on the coding strand, the complement: DUOX2 is on the minus strand). VCF-style: chr15-45107425-G-A. GRCh37 (hg19) VCF-style: chr15-45399623-G-A.
Other names: c.1613C>T, p.Thr538Ile (NM_014080.5); short protein forms T538I.
Identifiers: ClinVar variation 1448149 (VCV001448149.5), dbSNP rs1894249043, ClinGen allele CA392274638.

ClinVar aggregate classification (germline): Uncertain significance (1 of 4 stars; one submission).

Allele frequency attached by ClinVar (database versions not stated): TOPMed 0.00002.

Submission:

Labcorp Genetics (formerly Invitae), Labcorp
Classification: Uncertain significance. Last evaluated: 2024-10-15. Review status: criteria provided, single submitter. Criteria: Invitae Variant Classification Sherloc (09022015). Collection method: clinical testing. Allele origin: germline.
Comment: This sequence change replaces threonine, which is neutral and polar, with isoleucine, which is neutral and non-polar, at codon 538 of the DUOX2 protein (p.Thr538Ile). This variant is not present in population databases (gnomAD no frequency). This variant has not been reported in the literature in individuals affected with DUOX2-related conditions. ClinVar contains an entry for this variant (Variation ID: 1448149). Invitae Evidence Modeling of protein sequence and biophysical properties (such as structural, functional, and spatial information, amino acid conservation, physicochemical variation, residue mobility, and thermodynamic stability) indicates that this missense variant is not expected to disrupt DUOX2 protein function with a negative predictive value of 80%. In summary, the available evidence is currently insufficient to determine the role of this variant in disease. Therefore, it has been classified as a Variant of Uncertain Significance.